The following is an entry in ClinVar:

NM_000203.5(IDUA):c.839dup (p.Gln281fs)

Gene: IDUA (alpha-L-iduronidase; plus strand). Cytogenetic location: 4p16.3.
Variant type: Duplication.
Coding change: c.839dup on transcript NM_000203.5 (MANE Select); coding-DNA position 839, one base duplicated (C; older notation c.839dupC).
Protein change: p.Gln281fs; shifts the reading frame from glutamine 281.
Molecular consequence: frameshift variant. On other transcripts: non-coding transcript variant (1).
Genome position (GRCh38, 1-based): chr4:1,002,028, C duplicated. VCF-style (leftmost placement, unchanged base first): chr4-1002027-G-GC. GRCh37 (hg19) VCF-style: chr4-995815-G-GC.
Other names: c.443dup, p.Gln149fs (NM_001363576.1); short protein forms Q149fs, Q281fs.
Identifiers: ClinVar variation 5012199 (VCV005012199.1).

ClinVar aggregate classification (germline): Pathogenic (1 of 4 stars; one submission).

Conditions:
Mucopolysaccharidosis type 1. Also called: IDUA deficiency; MPS I; Mucopolysaccharidosis Type I. Identifiers: Orphanet 579, MedGen C0023786, MONDO:0001586.

Submission:

Myriad Genetics, Inc.
Classification: Pathogenic for Mucopolysaccharidosis type 1. Last evaluated: 2023-09-27. Review status: criteria provided, single submitter. Criteria: Myriad Autosomal Dominant, Autosomal Recessive and X-Linked Classification Criteria (2023). Collection method: clinical testing. Allele origin: unknown.
Comment: NM_000203.3(IDUA):c.839dupC(Q281Afs*118) is expected to be pathogenic in the context of mucopolysaccharidosis type I. This variant is predicted to lead to an abnormal or absent protein product due to the creation of a premature termination codon in IDUA, a gene where loss-of-function variants are known to be pathogenic. Please note: this variant was assessed in the context of healthy population screening.